The following is an entry in ClinVar:

ClinVar aggregate classification (germline): Uncertain significance. Review status: criteria provided, multiple submitters, no conflicts (2 of 4 stars). 2 submissions from 2 submitters: Uncertain significance (2). Last evaluated 2024-05-22.

Allele frequency attached by ClinVar (database versions not stated): gnomAD exomes below 0.00001 and 0.00001; gnomAD 0.00003 and 0.00004; TOPMed 0.00006; ESP Exome Variant Server 0.00008.
gnomAD v4.1: 8 of 1,614,026 alleles (0.0005%); highest among the groups gnomAD compares: African/African-American, 0.0093%; no homozygotes.

Submissions (2):

Labcorp Genetics (formerly Invitae), Labcorp
Classification: Uncertain significance. Last evaluated: 2024-05-22. Review status: criteria provided, single submitter. Criteria: Invitae Variant Classification Sherloc (09022015). Collection method: clinical testing. Allele origin: germline.
Comment: This sequence change replaces tyrosine, which is neutral and polar, with cysteine, which is neutral and slightly polar, at codon 142 of the EMC1 protein (p.Tyr142Cys). This variant is present in population databases (rs148311067, gnomAD 0.008%). This variant has not been reported in the literature in individuals affected with EMC1-related conditions. ClinVar contains an entry for this variant (Variation ID: 1307504). Advanced modeling of protein sequence and biophysical properties (such as structural, functional, and spatial information, amino acid conservation, physicochemical variation, residue mobility, and thermodynamic stability) performed at Invitae indicates that this missense variant is not expected to disrupt EMC1 protein function with a negative predictive value of 80%. In summary, the available evidence is currently insufficient to determine the role of this variant in disease. Therefore, it has been classified as a Variant of Uncertain Significance.

GeneDx
Classification: Uncertain significance. Last evaluated: 2019-08-12. Review status: criteria provided, single submitter. Criteria: GeneDx Variant Classification Process June 2021. Collection method: clinical testing. Allele origin: germline. Affected: yes.
Comment: Not observed at a significant frequency in large population cohorts (Lek et al., 2016); In silico analysis, which includes protein predictors and evolutionary conservation, supports that this variant does not alter protein structure/function; Has not been previously published as pathogenic or benign to our knowledge

NM_015047.3(EMC1):c.425A>G (p.Tyr142Cys)

Gene: EMC1 (ER membrane protein complex subunit 1; minus strand). Cytogenetic location: 1p36.13.
Variant type: single nucleotide variant.
Coding change: c.425A>G on transcript NM_015047.3 (MANE Select); coding-DNA position 425, A replaced by G.
Protein change: p.Tyr142Cys; replaces tyrosine 142 with cysteine.
Molecular consequence: missense variant.
Genome position (GRCh38, 1-based): chr1:19,242,429, T>C on the plus strand (A>G on the coding strand, the complement: EMC1 is on the minus strand). VCF-style: chr1-19242429-T-C. GRCh37 (hg19) VCF-style: chr1-19568923-T-C.
Other names: c.425A>G, p.Tyr142Cys (NM_001271427.2, NM_001271428.2, NM_001375820.1 and 1 more transcripts); c.359A>G, p.Tyr120Cys (NM_001271429.2); short protein forms Y120C, Y142C.
Identifiers: ClinVar variation 1307504 (VCV001307504.7), dbSNP rs148311067, ClinGen allele CA18823379.